The following is an entry in ClinVar:

ClinVar aggregate classification (germline): Uncertain significance (1 of 4 stars; one submission).

Conditions:
PLXNA1-related disorder. Also called: PLXNA1-related condition.

gnomAD v4.1: 1 of 1,613,486 alleles (0.000062%); highest among the groups gnomAD compares: Non-Finnish European, 0.000085%; no homozygotes.

Submission:

PreventionGenetics, part of Exact Sciences
Classification: Uncertain significance for PLXNA1-related condition. Last evaluated: 2025-05-07. Review status: criteria provided, single submitter. Criteria: ACMG Guidelines, 2015. Collection method: clinical testing. Allele origin: germline.
Comment: The PLXNA1 c.4762G>A variant is predicted to result in the amino acid substitution p.Ala1588Thr. To our knowledge, this variant has not been reported in the literature or in a large population database (gnomAD), indicating this variant is rare. At this time, the clinical significance of this variant is uncertain due to the absence of conclusive functional and genetic evidence.

NM_032242.4(PLXNA1):c.4762G>A (p.Ala1588Thr)

Gene: PLXNA1 (plexin A1; plus strand). Cytogenetic location: 3q21.3.
Variant type: single nucleotide variant.
Coding change: c.4762G>A on transcript NM_032242.4 (MANE Select); coding-DNA position 4762, G replaced by A.
Protein change: p.Ala1588Thr; replaces alanine 1588 with threonine.
Molecular consequence: missense variant.
Genome position (GRCh38, 1-based): chr3:127,029,085, G>A. VCF-style: chr3-127029085-G-A. GRCh37 (hg19) VCF-style: chr3-126747928-G-A.
Other names: short protein forms A1588T.
Identifiers: ClinVar variation 4985719 (VCV004985719.1).
Genomic context (GRCh38, chr3:127,029,085, plus strand): 5'-CTGCAGGACGAGGACGTCACCACCAAGATTGACAACGATTGGAAGAGGCTGAACACACTG[G>A]CTCACTACCAGGTGGCTCCCGGCCCTCCGACCCTAGCACAGGCCTCCCTCCCCTTGGGGC-3'
Protein context (NP_115618.3, residues 1578-1598): DNDWKRLNTL[Ala1588Thr]HYQVTDGSSV